The following is an entry in ClinVar:

NM_001384317.1(ZHX3):c.2536A>T (p.Asn846Tyr)

Gene: ZHX3 (zinc fingers and homeoboxes 3; minus strand). Cytogenetic location: 20q12.
Variant type: single nucleotide variant.
Coding change: c.2536A>T on transcript NM_001384317.1 (MANE Select); coding-DNA position 2536, A replaced by T.
Protein change: p.Asn846Tyr; replaces asparagine 846 with tyrosine.
Molecular consequence: missense variant.
Genome position (GRCh38, 1-based): chr20:41,202,381, T>A on the plus strand (A>T on the coding strand, the complement: ZHX3 is on the minus strand). VCF-style: chr20-41202381-T-A. GRCh37 (hg19) VCF-style: chr20-39831021-T-A.
Other names: c.2536A>T, p.Asn846Tyr (NM_001384315.1, NM_001384316.1, NM_001384318.1 and 8 more transcripts); short protein forms N846Y.
Identifiers: ClinVar variation 2069050 (VCV002069050.5), dbSNP rs201097931, ClinGen allele CA9859772.

ClinVar aggregate classification (germline): Uncertain significance. Review status: criteria provided, multiple submitters, no conflicts (2 of 4 stars). 2 submissions from 2 submitters: Uncertain significance (2). Last evaluated 2023-10-16.

Allele frequency attached by ClinVar (database versions not stated): gnomAD 0.00008; gnomAD exomes 0.00007; TOPMed 0.00018; ESP Exome Variant Server 0.00008.
gnomAD v4.1: 117 of 1,614,066 alleles (0.0072%); highest among the groups gnomAD compares: Admixed American, 0.018%; no homozygotes.

Submissions (2):

Labcorp Genetics (formerly Invitae), Labcorp
Classification: Uncertain significance. Last evaluated: 2023-10-16. Review status: criteria provided, single submitter. Criteria: Invitae Variant Classification Sherloc (09022015). Collection method: clinical testing. Allele origin: germline.
Comment: This sequence change replaces asparagine, which is neutral and polar, with tyrosine, which is neutral and polar, at codon 846 of the ZHX3 protein (p.Asn846Tyr). This variant is present in population databases (rs201097931, gnomAD 0.008%). This variant has not been reported in the literature in individuals affected with ZHX3-related conditions. ClinVar contains an entry for this variant (Variation ID: 2069050). An algorithm developed to predict the effect of missense changes on protein structure and function (PolyPhen-2) suggests that this variant is likely to be disruptive. In summary, the available evidence is currently insufficient to determine the role of this variant in disease. Therefore, it has been classified as a Variant of Uncertain Significance.

Ambry Genetics
Classification: Uncertain significance. Last evaluated: 2021-10-20. Review status: criteria provided, single submitter. Criteria: Ambry Variant Classification Scheme 2023. Collection method: clinical testing. Allele origin: germline.